The following is an entry in ClinVar:

ClinVar aggregate classification (germline): Benign/Likely benign. Review status: criteria provided, multiple submitters, no conflicts (2 of 4 stars). 5 submissions from 5 submitters: Benign (3); Likely benign (1). 1 of the submissions does not count toward it. Last evaluated 2024-03-05.

Conditions:
Bainbridge-Ropers syndrome. Also called: Severe feeding difficulties-failure to thrive-microcephaly due to ASXL3 deficiency syndrome. Identifiers: Orphanet 352577, MedGen C4750837, MONDO:0014205, OMIM 615485.
ASXL3-related disorder. Also called: ASXL3-related condition. Identifiers: MedGen CN381524.

Allele frequency attached by ClinVar (database versions not stated): gnomAD 0.00010 and 0.00011; ESP Exome Variant Server 0.00025; TOPMed 0.00012.
gnomAD v4.1: 200 of 1,583,156 alleles (0.013%); highest among the groups gnomAD compares: Admixed American, 0.05%; no homozygotes.

Submissions (5):

Blueprint Genetics
Classification: Likely benign. Last evaluated: 2024-03-05. Review status: criteria provided, single submitter. Criteria: ACMG Guidelines, 2015. Collection method: clinical testing. Allele origin: germline.

Genome-Nilou Lab
Classification: Benign for Bainbridge-Ropers syndrome. Last evaluated: 2021-12-05. Review status: criteria provided, single submitter. Criteria: ACMG Guidelines, 2015. Collection method: clinical testing. Allele origin: germline. Affected: no.

GeneDx
Classification: Benign. Last evaluated: 2020-03-13. Review status: criteria provided, single submitter. Criteria: GeneDx Variant Classification Process June 2021. Collection method: clinical testing. Allele origin: germline. Affected: yes.

Genetic Services Laboratory, University of Chicago
Classification: Benign. Last evaluated: 2019-05-21. Review status: criteria provided, single submitter. Criteria: ACMG Guidelines, 2015. Collection method: clinical testing. Allele origin: germline. Affected: no.

PreventionGenetics, part of Exact Sciences
Classification: Likely benign for ASXL3-related condition. Last evaluated: 2019-06-17. Review status: no assertion criteria provided. Collection method: clinical testing. Allele origin: germline. Not counted in ClinVar's aggregate classification.
Comment: This variant is classified as likely benign based on ACMG/AMP sequence variant interpretation guidelines (Richards et al. 2015 PMID: 25741868, with internal and published modifications).

NM_030632.3(ASXL3):c.195G>A (p.Gly65=)

Gene: ASXL3 (ASXL transcriptional regulator 3; plus strand). Cytogenetic location: 18q12.1.
Variant type: single nucleotide variant.
Coding change: c.195G>A on transcript NM_030632.3 (MANE Select); coding-DNA position 195, G replaced by A.
Protein change: p.Gly65=; no amino-acid change (glycine 65 retained).
Molecular consequence: synonymous variant.
Genome position (GRCh38, 1-based): chr18:33,644,951, G>A. VCF-style: chr18-33644951-G-A. GRCh37 (hg19) VCF-style: chr18-31224915-G-A.
Identifiers: ClinVar variation 1290602 (VCV001290602.10), dbSNP rs371104233, ClinGen allele CA8933479.
Genomic context (GRCh38, chr18:33,644,951, plus strand): 5'-TAGTGGAACCTCTCCATTAGCCTGTCTGAATGCAATGCTTCACACTAACACTCGAATAGG[G>A]GATGGAACATTCTTCAAAATCCCTGGAAAGTCAGGCCTCTATGCTCTCAAAGTAAGTTGC-3'
Protein context (NP_085135.1, residues 55-75): NAMLHTNTRI[Gly65=]DGTFFKIPGK